The following is an entry in ClinVar:

ClinVar aggregate classification (germline): Likely pathogenic. Review status: criteria provided, multiple submitters, no conflicts (2 of 4 stars). 2 submissions from 2 submitters: Likely pathogenic (2). Last evaluated 2023-11-29.

Conditions:
Spongy degeneration of central nervous system. Also called: ACY2 DEFICIENCY; AMINOACYLASE 2 DEFICIENCY; ASP DEFICIENCY; ASPA DEFICIENCY; ASPARTOACYLASE DEFICIENCY; CANAVAN-VAN BOGAERT-BERTRAND DISEASE. Identifiers: Orphanet 141, MedGen C0206307, MONDO:0010079, OMIM 271900.

Allele frequency attached by ClinVar (database versions not stated): gnomAD 0.00001; TOPMed below 0.00001; ExAC 0.00002; gnomAD exomes 0.00003 and below 0.00001.
gnomAD v4.1: 8 of 1,614,100 alleles (0.0005%); highest among the groups gnomAD compares: East Asian, 0.018%; no homozygotes.

Submissions (2):

Labcorp Genetics (formerly Invitae), Labcorp
Classification: Likely pathogenic for Spongy degeneration of central nervous system. Last evaluated: 2023-11-29. Review status: criteria provided, single submitter. Criteria: Invitae Variant Classification Sherloc (09022015). Collection method: clinical testing. Allele origin: germline.
Comment: This sequence change replaces asparagine, which is neutral and polar, with histidine, which is basic and polar, at codon 54 of the ASPA protein (p.Asn54His). This variant is present in population databases (rs757607501, gnomAD 0.04%). This variant has not been reported in the literature in individuals affected with ASPA-related conditions. ClinVar contains an entry for this variant (Variation ID: 1521499). Advanced modeling of protein sequence and biophysical properties (such as structural, functional, and spatial information, amino acid conservation, physicochemical variation, residue mobility, and thermodynamic stability) performed at Invitae indicates that this missense variant is expected to disrupt ASPA protein function with a positive predictive value of 95%. This variant disrupts the p.Asn54 amino acid residue in ASPA. Other variant(s) that disrupt this residue have been determined to be pathogenic (PMID: 15243987, 22878930, 32403196). This suggests that this residue is clinically significant, and that variants that disrupt this residue are likely to be disease-causing. In summary, the currently available evidence indicates that the variant is pathogenic, but additional data are needed to prove that conclusively. Therefore, this variant has been classified as Likely Pathogenic.

Juno Genomics, Hangzhou Juno Genomics, Inc
Classification: Likely pathogenic for Spongy degeneration of central nervous system. Review status: criteria provided, single submitter. Criteria: ACMG Guidelines, 2015. Collection method: clinical testing. Allele origin: germline.
Comment: Absent from controls (or at extremely low frequency if recessive) in Genome Aggregation Database.;Multiple lines of computational evidence support a deleterious effect on the gene or gene product.;Novel missense change at an amino acid residue where a different missense change determined to be pathogenic has been seen before.

Literature cited by the submitters: PubMed 15243987 (cited by Labcorp Genetics (formerly Invitae), Labcorp); PubMed 22878930 (cited by Labcorp Genetics (formerly Invitae), Labcorp); PubMed 32403196 (cited by Labcorp Genetics (formerly Invitae), Labcorp).

NM_000049.4(ASPA):c.160A>C (p.Asn54His)

Genes: ASPA (aspartoacylase; plus strand), SPATA22 (spermatogenesis associated 22; minus strand). Cytogenetic location: 17p13.2.
Variant type: single nucleotide variant.
Coding change: c.160A>C on transcript NM_000049.4 (MANE Select); coding-DNA position 160, A replaced by C.
Protein change: p.Asn54His; replaces asparagine 54 with histidine.
Molecular consequence: missense variant. On other transcripts: intron variant (2).
Genome position (GRCh38, 1-based): chr17:3,476,319, A>C. VCF-style: chr17-3476319-A-C. GRCh37 (hg19) VCF-style: chr17-3379613-A-C.
Other names: c.160A>C, p.Asn54His (NM_001128085.1); c.-73-6921T>G (NM_001321336.2, NM_001321337.2); short protein forms N54H.
Identifiers: ClinVar variation 1521499 (VCV001521499.8), dbSNP rs757607501, ClinGen allele CA8288855.